The following is an entry in ClinVar:

NM_020921.4(NIN):c.3026G>A (p.Ser1009Asn)

Gene: NIN (ninein; minus strand). Cytogenetic location: 14q22.1.
Variant type: single nucleotide variant.
Coding change: c.3026G>A on transcript NM_020921.4 (MANE Select); coding-DNA position 3026, G replaced by A.
Protein change: p.Ser1009Asn; replaces serine 1009 with asparagine.
Molecular consequence: missense variant. On other transcripts: intron variant (1).
Genome position (GRCh38, 1-based): chr14:50,758,004, C>T on the plus strand (G>A on the coding strand, the complement: NIN is on the minus strand). VCF-style: chr14-50758004-C-T. GRCh37 (hg19) VCF-style: chr14-51224722-C-T.
Other names: c.3026G>A, p.Ser1009Asn (NM_182944.3, NM_182946.2); c.2399+1853G>A (NM_016350.5); short protein forms S1009N.
Identifiers: ClinVar variation 1029792 (VCV001029792.6), dbSNP rs866350711, ClinGen allele CA260829165.
Genomic context (GRCh38, chr14:50,758,004, plus strand): 5'-AGAGGAGATGTTGCCTGCTGCATTTCCTTTATTTTACTCTGAAGTCTGGAGATTTCTGTG[C>T]TCATCTCGGCTCTTTCTCGATCTGCTGTCTCACAGGTCGCTTTGTGAATGTTCTCCATGG-3'
Protein context (NP_065972.4, residues 999-1019): ETADRERAEM[Ser1009Asn]TEISRLQSKI

ClinVar aggregate classification (germline): Uncertain significance. Review status: criteria provided, multiple submitters, no conflicts (2 of 4 stars). 3 submissions from 3 submitters: Uncertain significance (3). Last evaluated 2020-06-03.

Conditions:
Seckel syndrome 7 (SCKL7). Identifiers: Orphanet 319675, MedGen C3553870, MONDO:0013922, OMIM 614851.

Allele frequency attached by ClinVar (database versions not stated): gnomAD exomes 0.00001.
gnomAD v4.1: 13 of 1,614,202 alleles (0.00081%); highest among the groups gnomAD compares: Middle Eastern, 0.12%; no homozygotes.

Submissions (3):

Baylor Genetics
Classification: Uncertain significance for Seckel syndrome 7. Last evaluated: 2020-06-03. Review status: criteria provided, single submitter. Criteria: ACMG Guidelines, 2015. Collection method: clinical testing. Allele origin: unknown. Affected: yes.
Comment: This variant was determined to be of uncertain significance according to ACMG Guidelines, 2015 [PMID:25741868].

Genetic Services Laboratory, University of Chicago
Classification: Uncertain significance. Last evaluated: 2019-04-15. Review status: criteria provided, single submitter. Criteria: ACMG Guidelines, 2015. Collection method: clinical testing. Allele origin: germline. Affected: no.

Breakthrough Genomics
Classification: Uncertain significance. Review status: criteria provided, single submitter. Criteria: ACMG Guidelines, 2015. Collection method: not provided. Allele origin: germline. Inheritance: Autosomal recessive inheritance. Affected: yes.